The following is an entry in ClinVar:

NM_001378454.1(ALMS1):c.7069A>G (p.Thr2357Ala)

Gene: ALMS1 (ALMS1 centrosome and basal body associated protein; plus strand). Cytogenetic location: 2p13.1.
Variant type: single nucleotide variant.
Coding change: c.7069A>G on transcript NM_001378454.1 (MANE Select); coding-DNA position 7069, A replaced by G.
Protein change: p.Thr2357Ala; replaces threonine 2357 with alanine.
Molecular consequence: missense variant.
Genome position (GRCh38, 1-based): chr2:73,453,596, A>G. VCF-style: chr2-73453596-A-G. GRCh37 (hg19) VCF-style: chr2-73680723-A-G.
Other names: c.7072A>G, p.Thr2358Ala (NM_015120.4); short protein forms T2357A, T2358A.
Identifiers: ClinVar variation 2626196 (VCV002626196.3), dbSNP rs1330152191, ClinGen allele CA347290817.

ClinVar aggregate classification (germline): Uncertain significance. Review status: criteria provided, multiple submitters, no conflicts (2 of 4 stars). 2 submissions from 2 submitters: Uncertain significance (2). Last evaluated 2024-09-10.

Conditions:
Cardiovascular phenotype. Identifiers: MedGen CN230736.

Allele frequency attached by ClinVar (database versions not stated): gnomAD exomes below 0.00001; TOPMed below 0.00001.
gnomAD v4.1: 4 of 1,614,000 alleles (0.00025%); highest among the groups gnomAD compares: South Asian, 0.0011%; no homozygotes.

Submissions (2):

GeneDx
Classification: Uncertain significance. Last evaluated: 2024-09-10. Review status: criteria provided, single submitter. Criteria: GeneDx Variant Classification Process June 2021. Collection method: clinical testing. Allele origin: germline. Affected: yes.
Comment: Not observed at significant frequency in large population cohorts (gnomAD); In silico analysis indicates that this missense variant does not alter protein structure/function; Has not been previously published as pathogenic or benign to our knowledge

Ambry Genetics
Classification: Uncertain significance for Cardiovascular phenotype. Last evaluated: 2023-08-10. Review status: criteria provided, single submitter. Criteria: Ambry Variant Classification Scheme 2023. Collection method: clinical testing. Allele origin: germline.
Comment: The p.T2358A variant (also known as c.7072A>G), located in coding exon 8 of the ALMS1 gene, results from an A to G substitution at nucleotide position 7072. The threonine at codon 2358 is replaced by alanine, an amino acid with similar properties. This amino acid position is well conserved in available vertebrate species. In addition, this alteration is predicted to be tolerated by in silico analysis. Since supporting evidence is limited at this time, the clinical significance of this alteration remains unclear.